The following is an entry in ClinVar:

ClinVar aggregate classification (germline): Pathogenic/Likely pathogenic. Review status: criteria provided, multiple submitters, no conflicts (2 of 4 stars). 7 submissions from 7 submitters: Pathogenic (3); Likely pathogenic (3). 1 of the submissions does not count toward it. Last evaluated 2026-05-14.

Conditions:
TTN-related disorder. Also called: TTN-related condition; TTN-related disease; TTN-related disorders.
Autosomal recessive limb-girdle muscular dystrophy type 2J (LGMDR10). Also called: Limb-girdle muscular dystrophy, type 2J; MUSCULAR DYSTROPHY, LIMB-GIRDLE, AUTOSOMAL RECESSIVE 10. Identifiers: Orphanet 140922, MedGen C1837342, MONDO:0012127, OMIM 608807.
Dilated cardiomyopathy 1G (CMD1G). Identifiers: Orphanet 154, MedGen C1858763, MONDO:0011400, OMIM 604145.
Cardiovascular phenotype. Identifiers: MedGen CN230736.
Hypertrophic cardiomyopathy 9. Also called: Familial hypertrophic cardiomyopathy 9. Identifiers: MedGen C1861065, MONDO:0013412, OMIM 613765.

Allele frequency attached by ClinVar (database versions not stated): gnomAD exomes 0.00001; ExAC 0.00002.
gnomAD v4.1: 3 of 1,552,662 alleles (0.00019%); highest among the groups gnomAD compares: Non-Finnish European, 0.000087%; no homozygotes.

Submissions (7):

Ambry Genetics
Classification: Likely pathogenic for Cardiovascular phenotype. Last evaluated: 2026-05-14. Review status: criteria provided, single submitter. Criteria: Ambry Variant Classification Scheme 2023. Collection method: clinical testing. Allele origin: germline.
Comment: The c.27223C>T (p.R9075*) alteration, located in exon 110 (coding exon 109) of the TTN gene, consists of a C to T substitution at nucleotide position 27223. This changes the amino acid from a arginine (R) to a stop codon at amino acid position 9075. This variant is expected to result in loss of function by premature protein truncation or nonsense-mediated mRNA decay. Based on data from gnomAD, the T allele has an overall frequency of 0.001% (2/203450) total alleles studied. The highest observed frequency was 0.002% (2/95888) of European (non-Finnish) alleles. This exon is located in the A-band region of the N2-B isoform of the titin protein and is constitutively expressed in TTN transcripts (percent spliced in or PSI 100%). While truncating variants in TTN are present in 1-3% of the general population, truncating variants in the A-band are the most common cause of dilated cardiomyopathy (Herman, 2012; Roberts, 2015). TTN truncating variants encoded in constitutive exons (PSI >90%) have been found to be significantly associated with DCM regardless of their position in titin (Schafer, 2017; Akhtar, 2020; Massier, 2025). Based on the available evidence, this alteration is classified as likely pathogenic.

Labcorp Genetics (formerly Invitae), Labcorp
Classification: Pathogenic for Dilated cardiomyopathy 1G; Autosomal recessive limb-girdle muscular dystrophy type 2J. Last evaluated: 2026-01-19. Review status: criteria provided, single submitter. Criteria: Invitae Variant Classification Sherloc (09022015). Collection method: clinical testing. Allele origin: germline.
Comment: This sequence change creates a premature translational stop signal (p.Arg18140*) in the TTN gene. While this is not anticipated to result in nonsense mediated decay, it is expected to create a truncated TTN protein. The frequency data for this variant in the population databases is considered unreliable, as metrics indicate poor data quality at this position in the gnomAD database. This premature translational stop signal has been observed in individuals with clinical features of dilated cardiomyopathy (internal data). ClinVar contains an entry for this variant (Variation ID: 579797). This variant is located in the A band of TTN (PMID: 25589632). Truncating variants in this region are significantly overrepresented in patients affected with dilated cardiomyopathy (PMID: 25589632). Truncating variants in this region have also been reported in individuals affected with autosomal recessive centronuclear myopathy (PMID: 23975875). For these reasons, this variant has been classified as Pathogenic.

Genomic Medicine Center of Excellence, King Faisal Specialist Hospital and Research Centre
Classification: Pathogenic for Dilated cardiomyopathy 1G. Last evaluated: 2025-09-10. Review status: criteria provided, single submitter. Criteria: ACMG Guidelines, 2015. Collection method: clinical testing. Allele origin: germline.

Blueprint Genetics
Classification: Pathogenic for TTN-related disorders. Last evaluated: 2024-06-26. Review status: criteria provided, single submitter. Criteria: ACMG Guidelines, 2015. Collection method: clinical testing. Allele origin: germline. Affected: yes. Observed: 1 variant allele.

GeneDx
Classification: Likely pathogenic. Last evaluated: 2023-04-02. Review status: criteria provided, single submitter. Criteria: GeneDx Variant Classification Process June 2021. Collection method: clinical testing. Allele origin: germline. Affected: yes.
Comment: Nonsense variant predicted to result in protein truncation or nonsense mediated decay in a gene for which loss-of-function is a known mechanism of disease; Located in the A-band region of TTN in which the majority of loss of function variants have been associated with autosomal dominant titinopathies (Herman et al., 2012); Has not been previously published as pathogenic or benign to our knowledge; Not observed at significant frequency in large population cohorts (gnomAD); This variant is associated with the following publications: (PMID: 22335739)

New York Genome Center
Classification: Likely pathogenic for Dilated cardiomyopathy 1G; Hypertrophic cardiomyopathy 9. Last evaluated: 2023-03-09. Review status: criteria provided, single submitter. Criteria: NYGC Assertion Criteria 2020. Collection method: clinical testing. Allele origin: germline. Affected: yes. Observed: 1 heterozygote.
Comment: The c.54418C>T variant identified in TTN has not been reported previously in individuals with titinopathies; it has been reported in ClinVar as Likely pathogenic by three submitters [ClinVar ID: 579797]. The c.54418C>T variant is observed in 2 alleles (~0.0009% minor allele frequency with 0 homozygote) in population databases (gnomAD v2.1.1 and v3.1.2, TOPMed Freeze 8), suggesting it is not a common benign variant in the populations represented in those databases. The c.54418C>T variant is located in exon 282 (A-band) of this 363-exon gene, is predicted to incorporate a premature termination codon (p.(Arg18140Ter), and is expected to result in loss-of-function either through protein truncation or nonsense-mediated mRNA decay. Based on available evidence, this c.54418C>T p.(Arg18140Ter) variant identified in TTN is classified as Likely Pathogenic.

Cardiogenetics and Myogenetics Molecular and Cellular Functional Unit, Aphp Sorbonne University-Hopital Pitie Salpetriere
Classification: Likely pathogenic for Dilated cardiomyopathy 1G. Last evaluated: 2024-01-06. Review status: no assertion criteria provided. Collection method: clinical testing. Allele origin: germline. Affected: yes. Not counted in ClinVar's aggregate classification.

Literature cited by the submitters: PubMed 25589632 (cited by Labcorp Genetics (formerly Invitae), Labcorp); PubMed 23975875 (cited by Labcorp Genetics (formerly Invitae), Labcorp).

NM_001267550.2(TTN):c.54418C>T (p.Arg18140Ter)

Genes: TTN (titin; minus strand), TTN-AS1 (TTN antisense RNA 1; plus strand). Cytogenetic location: 2q31.2.
Variant type: single nucleotide variant.
Coding change: c.54418C>T on transcript NM_001267550.2 (MANE Select); coding-DNA position 54418, C replaced by T.
Protein change: p.Arg18140Ter; replaces arginine 18140 with a stop codon.
Molecular consequence: nonsense.
Genome position (GRCh38, 1-based): chr2:178,604,269, G>A on the plus strand (C>T on the coding strand, the complement: TTN is on the minus strand). VCF-style: chr2-178604269-G-A. GRCh37 (hg19) VCF-style: chr2-179468996-G-A.
Other names: c.49495C>T, p.Arg16499Ter (NM_001256850.1); c.27223C>T, p.Arg9075Ter (NM_003319.4); c.46714C>T, p.Arg15572Ter (NM_133378.4); c.27598C>T, p.Arg9200Ter (NM_133432.3); c.27799C>T, p.Arg9267Ter (NM_133437.4); c.54418C>T (NM_001267550.1); short protein forms R18140*, R16499*, R9075*, R9200*, R15572*, R9267*.
Identifiers: ClinVar variation 579797 (VCV000579797.19), dbSNP rs747236787, ClinGen allele CA1993628.
Genomic context (GRCh38, chr2:178,604,269, plus strand): 5'-TGACTACTTTATCTGATTTGCACTCATCACTGATTCCATATTTATTCACTGCCCTGACTC[G>A]GAACTCATACTGACCATTGGGGATAAGTTTCCAGATCTAGAAATTAGAAAAACAGAAATT-3'